The following is an entry in ClinVar:

NM_003738.5(PTCH2):c.2788G>A (p.Ala930Thr)

Gene: PTCH2 (patched 2; minus strand). Cytogenetic location: 1p34.1.
Variant type: single nucleotide variant.
Coding change: c.2788G>A on transcript NM_003738.5 (MANE Select); coding-DNA position 2788, G replaced by A.
Protein change: p.Ala930Thr; replaces alanine 930 with threonine.
Molecular consequence: missense variant.
Genome position (GRCh38, 1-based): chr1:44,826,676, C>T on the plus strand (G>A on the coding strand, the complement: PTCH2 is on the minus strand). VCF-style: chr1-44826676-C-T. GRCh37 (hg19) VCF-style: chr1-45292348-C-T.
Other names: c.2788G>A, p.Ala930Thr (NM_001166292.2); short protein forms A930T.
Identifiers: ClinVar variation 2914635 (VCV002914635.3), dbSNP rs2148874224, ClinGen allele CA340093787.

ClinVar aggregate classification (germline): Uncertain significance (1 of 4 stars; one submission).

Conditions:
Gorlin syndrome. Also called: Basal cell nevus syndrome; Nevoid Basal Cell Carcinoma Syndrome. Identifiers: Orphanet 377, MedGen C0004779, MONDO:0007187.

Submission:

Labcorp Genetics (formerly Invitae), Labcorp
Classification: Uncertain significance for Gorlin syndrome. Last evaluated: 2023-12-18. Review status: criteria provided, single submitter. Criteria: Invitae Variant Classification Sherloc (09022015). Collection method: clinical testing. Allele origin: germline.
Comment: This sequence change replaces alanine, which is neutral and non-polar, with threonine, which is neutral and polar, at codon 930 of the PTCH2 protein (p.Ala930Thr). This variant is not present in population databases (gnomAD no frequency). This variant has not been reported in the literature in individuals affected with PTCH2-related conditions. Advanced modeling of protein sequence and biophysical properties (such as structural, functional, and spatial information, amino acid conservation, physicochemical variation, residue mobility, and thermodynamic stability) has been performed at Invitae for this missense variant, however the output from this modeling did not meet the statistical confidence thresholds required to predict the impact of this variant on PTCH2 protein function. In summary, the available evidence is currently insufficient to determine the role of this variant in disease. Therefore, it has been classified as a Variant of Uncertain Significance.